The following is an entry in ClinVar:

NM_000814.6(GABRB3):c.-99GGC[6]

Gene: GABRB3 (gamma-aminobutyric acid type A receptor subunit beta3; minus strand). Cytogenetic location: 15q12.
Variant type: Microsatellite.
Coding change: c.-99GGC[6] on transcript NM_000814.6 (MANE Select); six copies in a row of the 3-base unit GGC starting at c.-99; the reference has seven copies in a row; one copy, 3 bases deleted.
Molecular consequence: 5 prime UTR variant. On other transcripts: intron variant (1).
Genome position (GRCh38, 1-based): chr15:26,773,041-26,773,043, GCC deleted on the plus strand (GGC on the coding strand, the reverse complement: GABRB3 is on the minus strand); deleting any 3 consecutive bases within chr15:26,773,041-26,773,063 gives the same sequence; the position shown is the placement nearest the transcript's 3' end. VCF-style (leftmost placement, unchanged base first): chr15-26773040-TGCC-T. GRCh37 (hg19) VCF-style: chr15-27018187-TGCC-T.
Other names: c.-450GGC[6] (NM_001278631.2); c.81-289GGC[6] (NM_021912.5).
Identifiers: ClinVar variation 1269156 (VCV001269156.3), dbSNP rs548775630, ClinGen allele CA268179653.

ClinVar aggregate classification (germline): Benign. Review status: criteria provided, multiple submitters, no conflicts (2 of 4 stars). 2 submissions from 2 submitters: Benign (2). Last evaluated 2024-07-31.

Submissions (2):

Unidad de Genómica Garrahan, Hospital de Pediatría Garrahan
Classification: Benign. Last evaluated: 2024-07-31. Review status: criteria provided, single submitter. Criteria: ACMG Guidelines, 2015. Collection method: clinical testing. Allele origin: germline. Affected: no. Observed: 34 variant alleles.
Comment: This variant is classified as Benign based on local population frequency. This variant was detected in 37% of patients studied in a panel designed for Epileptic and Developmental Encephalopathy, Progressive Myoclonus Epilepsy and Abnormal Movements and Neurodegeneration with brain iron accumulation. Number of patients: 34. Only high quality variants are reported.

GeneDx
Classification: Benign. Last evaluated: 2019-08-10. Review status: criteria provided, single submitter. Criteria: GeneDx Variant Classification Process June 2021. Collection method: clinical testing. Allele origin: germline. Affected: yes.